The following is an entry in ClinVar:

ClinVar aggregate classification (germline): Uncertain significance (3 of 4 stars; one submission).

Conditions:
Monogenic diabetes. Identifiers: Orphanet 183625, MedGen C3888631, MONDO:0015967.

Allele frequency attached by ClinVar (database versions not stated): 1000 Genomes Project 30x 0.00016; 1000 Genomes Project 0.00020.
gnomAD v4.1: 1 of 1,610,342 alleles (0.000062%); highest among the groups gnomAD compares: South Asian, 0.0011%; no homozygotes.

Submission:

ClinGen Monogenic Diabetes Variant Curation Expert Panel
Classification: Uncertain significance for Monogenic diabetes. Last evaluated: 2025-10-03. Review status: reviewed by expert panel. Criteria: ClinGen Diabetes ACMG Specifications HNF1A V3.0.0. Collection method: curation. Allele origin: germline. Inheritance: Autosomal dominant inheritance.
Comment: The c.866C>A variant in the e.g. HNF1 homeobox A gene, HNF1A, causes an amino acid change of proline to histidine at codon 289 (p.(Pro289His)) of NM_000545.8. This variant has an incomputable gnomAD v4.1.0 Grpmax filtering allele frequency due to 1 copy in the South Asian subpopulation and 0 copies in any other subpopulation, thereby meeting the ClinGen MDEP threshold criteria for PM2_Supporting (Grpmax FAF <= 0.000003) (PM2_Supporting). This variant has a REVEL score of 0.569, which is between the ClinGen MDEP thresholds for BP4 and PP3, predicting neither a damaging nor benign impact on HNF1A function. This variant was identified in an individual with diabetes; however, the MODY probability is unable to be calculated due to lack of treatment information, and therefore, PP4 will not be applied (internal lab contributors). Two other missense variants at the same residue, c.865C>T (p.Pro289Ser) and c.866C>G (p.Pro289Arg), have been classified as VUS by the ClinGen MDEP; therefore, PM5 will not be applied. In summary, c.866C>A meets the criteria to be classified as a variant of uncertain significance for monogenic diabetes. ACMG/AMP criteria applied, as specified by the ClinGen MDEP (specification version 3.0.0, approved 6/30/2025): PM2_Supporting.

NM_000545.8(HNF1A):c.866C>A (p.Pro289His)

Gene: HNF1A (HNF1 homeobox A; plus strand). Cytogenetic location: 12q24.31.
Variant type: single nucleotide variant.
Coding change: c.866C>A on transcript NM_000545.8 (MANE Select); coding-DNA position 866, C replaced by A.
Protein change: p.Pro289His; replaces proline 289 with histidine.
Molecular consequence: missense variant.
Genome position (GRCh38, 1-based): chr12:120,994,316, C>A. VCF-style: chr12-120994316-C-A. GRCh37 (hg19) VCF-style: chr12-121432119-C-A.
Other names: NM_001306179.2:c.866C>A; c.866C>A, p.Pro289His (NM_001306179.2); short protein forms P289H.
Identifiers: ClinVar variation 1676721 (VCV001676721.4), dbSNP rs267603343, ClinGen allele CA6831851.